The following is an entry in ClinVar:

NM_015166.4(MLC1):c.*1623G>T

Gene: MLC1 (modulator of VRAC current 1; minus strand). Cytogenetic location: 22q13.33.
Variant type: single nucleotide variant.
Coding change: c.*1623G>T on transcript NM_015166.4 (MANE Select); 1623 bases downstream of the stop codon, G replaced by T.
Molecular consequence: 3 prime UTR variant. On other transcripts: non-coding transcript variant (3).
Genome position (GRCh38, 1-based): chr22:50,059,960, C>A on the plus strand (G>T on the coding strand, the complement: MLC1 is on the minus strand). VCF-style: chr22-50059960-C-A. GRCh37 (hg19) VCF-style: chr22-50498389-C-A.
Other names: c.*1623G>T (NM_001376472.1, NM_001376473.1, NM_001376474.1 and 9 more transcripts); c.*238G>T (NM_001376477.1, NM_001376478.1).
Identifiers: ClinVar variation 342079 (VCV000342079.6), dbSNP rs35730155, ClinGen allele CA10654193.

ClinVar aggregate classification (germline): Benign. Review status: criteria provided, multiple submitters, no conflicts (2 of 4 stars). 2 submissions from 2 submitters: Benign (2). Last evaluated 2018-01-13.

Conditions:
Megalencephalic leukoencephalopathy with subcortical cysts 1 (MLC1). Also called: LEUKOENCEPHALOPATHY WITH SWELLING AND CYSTS; VACUOLATING MEGALENCEPHALIC LEUKOENCEPHALOPATHY WITH SUBCORTICAL CYSTS. Identifiers: Orphanet 2478, MedGen C5779875, MONDO:0024555, OMIM 604004.

Allele frequency attached by ClinVar (database versions not stated): gnomAD exomes 0.06250; 1000 Genomes Project 0.15096; 1000 Genomes Project 30x 0.15615; TOPMed 0.15640.
gnomAD v4.1: 22,819 of 152,256 alleles (15%); highest among the groups gnomAD compares: East Asian, 19%; 1,830 homozygotes.

Submissions (2):

Illumina Laboratory Services, Illumina
Classification: Benign for Megalencephalic leukoencephalopathy with subcortical cysts 1. Last evaluated: 2018-01-13. Review status: criteria provided, single submitter. Criteria: ICSL Variant Classification Criteria 13 December 2019. Collection method: clinical testing. Allele origin: germline.
Comment: This variant was observed in the ICSL laboratory as part of a predisposition screen in an ostensibly healthy population. It had not been previously curated by ICSL or reported in the Human Gene Mutation Database (HGMD: prior to June 1st, 2018), and was therefore a candidate for classification through an automated scoring system. Utilizing variant allele frequency, disease prevalence and penetrance estimates, and inheritance mode, an automated score was calculated to assess if this variant is too frequent to cause the disease. Based on the score and internal cut-off values, a variant classified as benign is not then subjected to further curation. The score for this variant resulted in a classification of benign for this disease.

Breakthrough Genomics
Classification: Benign. Review status: criteria provided, single submitter. Criteria: ACMG Guidelines, 2015. Collection method: not provided. Allele origin: germline. Inheritance: Autosomal recessive inheritance. Affected: yes.